The following is an entry in ClinVar:

ClinVar aggregate classification (germline): Uncertain significance. Review status: criteria provided, multiple submitters, no conflicts (2 of 4 stars). 2 submissions from 2 submitters: Uncertain significance (2). Last evaluated 2022-02-20.

Conditions:
Inborn genetic diseases. Identifiers: MedGen C0950123, MeSH D030342.

gnomAD v4.1: 2 of 1,576,776 alleles (0.00013%); highest among the groups gnomAD compares: East Asian, 0.0046%; no homozygotes.

Submissions (2):

Labcorp Genetics (formerly Invitae), Labcorp
Classification: Uncertain significance. Last evaluated: 2022-02-20. Review status: criteria provided, single submitter. Criteria: Invitae Variant Classification Sherloc (09022015). Collection method: clinical testing. Allele origin: germline.
Comment: In summary, the available evidence is currently insufficient to determine the role of this variant in disease. Therefore, it has been classified as a Variant of Uncertain Significance. Algorithms developed to predict the effect of missense changes on protein structure and function are either unavailable or do not agree on the potential impact of this missense change (SIFT: "Tolerated"; PolyPhen-2: "Possibly Damaging"; Align-GVGD: "Class C0"). This variant has not been reported in the literature in individuals affected with HSPG2-related conditions. This variant is present in population databases (no rsID available, gnomAD 0.007%). This sequence change replaces proline, which is neutral and non-polar, with arginine, which is basic and polar, at codon 3890 of the HSPG2 protein (p.Pro3890Arg).

Ambry Genetics
Classification: Uncertain significance for Inborn genetic diseases. Last evaluated: 2021-10-05. Review status: criteria provided, single submitter. Criteria: Ambry Variant Classification Scheme 2023. Collection method: clinical testing. Allele origin: germline.

NM_005529.7(HSPG2):c.11669C>G (p.Pro3890Arg)

Gene: HSPG2 (heparan sulfate proteoglycan 2; minus strand). Cytogenetic location: 1p36.12.
Variant type: single nucleotide variant.
Coding change: c.11669C>G on transcript NM_005529.7 (MANE Select); coding-DNA position 11669, C replaced by G.
Protein change: p.Pro3890Arg; replaces proline 3890 with arginine.
Molecular consequence: missense variant.
Genome position (GRCh38, 1-based): chr1:21,830,984, G>C on the plus strand (C>G on the coding strand, the complement: HSPG2 is on the minus strand). VCF-style: chr1-21830984-G-C. GRCh37 (hg19) VCF-style: chr1-22157477-G-C.
Other names: c.11672C>G, p.Pro3891Arg (NM_001291860.2); short protein forms P3890R, P3891R.
Identifiers: ClinVar variation 1952047 (VCV001952047.6), dbSNP rs1260275364, ClinGen allele CA338902965.